The following is an entry in ClinVar:

NM_001379210.1(SLC25A26):c.300+50A>G

Gene: SLC25A26 (solute carrier family 25 member 26; plus strand). Cytogenetic location: 3p14.1.
Variant type: single nucleotide variant.
Coding change: c.300+50A>G on transcript NM_001379210.1 (MANE Select); 50 bases into the intron after coding-DNA position 300, A replaced by G.
Molecular consequence: intron variant.
Genome position (GRCh38, 1-based): chr3:66,243,362, A>G. VCF-style: chr3-66243362-A-G. GRCh37 (hg19) VCF-style: chr3-66293786-A-G.
Other names: c.300+50A>G (NM_173471.4); c.36+50A>G (NM_001350993.1, NM_001164796.1).
Identifiers: ClinVar variation 683893 (VCV000683893.2), dbSNP rs1678091, ClinGen allele CA2483664.

ClinVar aggregate classification (germline): Benign. Review status: criteria provided, multiple submitters, no conflicts (2 of 4 stars). 2 submissions from 2 submitters: Benign (2). Last evaluated 2018-06-14.

Allele frequency attached by ClinVar (database versions not stated): gnomAD exomes 0.07076 and 0.09697; ExAC 0.09496; ESP Exome Variant Server 0.12562; gnomAD 0.12873 and 0.13160; TOPMed 0.13875; 1000 Genomes Project 30x 0.16287; 1000 Genomes Project 0.16514.
gnomAD v4.1: 70,675 of 872,806 alleles (8.1%); highest among the groups gnomAD compares: East Asian, 29%; 5,700 homozygotes.

Submissions (2):

GeneDx
Classification: Benign. Last evaluated: 2018-06-14. Review status: criteria provided, single submitter. Criteria: GeneDx Variant Classification (06012015). Collection method: clinical testing. Allele origin: germline. Affected: yes.
Comment: This variant is considered likely benign or benign based on one or more of the following criteria: it is a conservative change, it occurs at a poorly conserved position in the protein, it is predicted to be benign by multiple in silico algorithms, and/or has population frequency not consistent with disease.

Breakthrough Genomics
Classification: Benign. Review status: criteria provided, single submitter. Criteria: ACMG Guidelines, 2015. Collection method: not provided. Allele origin: germline. Inheritance: Autosomal recessive inheritance. Affected: yes.